The following is an entry in ClinVar:

NM_018967.5(SNTG1):c.722C>G (p.Thr241Ser)

Gene: SNTG1 (syntrophin gamma 1; plus strand). Cytogenetic location: 8q11.21.
Variant type: single nucleotide variant.
Coding change: c.722C>G on transcript NM_018967.5 (MANE Select); coding-DNA position 722, C replaced by G.
Protein change: p.Thr241Ser; replaces threonine 241 with serine.
Molecular consequence: missense variant. On other transcripts: non-coding transcript variant (5).
Genome position (GRCh38, 1-based): chr8:50,553,091, C>G. VCF-style: chr8-50553091-C-G. GRCh37 (hg19) VCF-style: chr8-51465651-C-G.
Other names: c.722C>G, p.Thr241Ser (NM_001287813.3, NM_001287814.3, NM_001321773.2 and 4 more transcripts); short protein forms T241S.
Identifiers: ClinVar variation 3033568 (VCV003033568.2), dbSNP rs113805699, ClinGen allele CA4744120.

ClinVar aggregate classification (germline): Benign (0 of 4 stars; one submission).

Conditions:
SNTG1-related disorder. Also called: SNTG1-related condition.

Allele frequency attached by ClinVar (database versions not stated): ExAC 0.00170; gnomAD 0.00545; ESP Exome Variant Server 0.00577; 1000 Genomes Project 0.00599; TOPMed 0.00623; 1000 Genomes Project 30x 0.00640.
gnomAD v4.1: 1,611 of 1,613,914 alleles (0.1%); highest among the groups gnomAD compares: African/African-American, 1.9%; 23 homozygotes.

Submission:

PreventionGenetics, part of Exact Sciences
Classification: Benign for SNTG1-related condition. Last evaluated: 2024-06-16. Review status: no assertion criteria provided. Collection method: clinical testing. Allele origin: germline.
Comment: This variant is classified as benign based on ACMG/AMP sequence variant interpretation guidelines (Richards et al. 2015 PMID: 25741868, with internal and published modifications).